The following is an entry in ClinVar:

ClinVar aggregate classification (germline): Benign/Likely benign. Review status: criteria provided, multiple submitters, no conflicts (2 of 4 stars). 2 submissions from 2 submitters: Benign (1); Likely benign (1). Last evaluated 2024-07-01.

Conditions:
Oligodontia-cancer predisposition syndrome. Also called: TOOTH AGENESIS-COLORECTAL CANCER SYNDROME. Identifiers: Orphanet 300576, MedGen C1837750, MONDO:0012075, OMIM 608615. Disease mechanism: loss of function.
Hereditary cancer-predisposing syndrome. Also called: Tumor predisposition; Hereditary neoplastic syndrome; Hereditary Cancer Syndrome; Neoplastic Syndromes, Hereditary. Identifiers: Orphanet 140162, MedGen C0027672, MeSH D009386, MONDO:0015356.

Submissions (2):

Myriad Genetics, Inc.
Classification: Benign for Oligodontia-cancer predisposition syndrome. Last evaluated: 2024-07-01. Review status: criteria provided, single submitter. Criteria: Myriad Autosomal Dominant, Autosomal Recessive and X-Linked Classification Criteria (2023). Collection method: clinical testing. Allele origin: unknown.
Comment: This variant is considered benign. This variant is a silent/synonymous amino acid change and it is not expected to impact splicing.

Ambry Genetics
Classification: Likely benign for Hereditary cancer-predisposing syndrome. Last evaluated: 2024-01-17. Review status: criteria provided, single submitter. Criteria: Ambry Variant Classification Scheme 2023. Collection method: clinical testing. Allele origin: germline.

NM_004655.4(AXIN2):c.1194C>T (p.Ile398=)

Gene: AXIN2 (axin 2; minus strand). Cytogenetic location: 17q24.1.
Variant type: single nucleotide variant.
Coding change: c.1194C>T on transcript NM_004655.4 (MANE Select); coding-DNA position 1194, C replaced by T.
Protein change: p.Ile398=; no amino-acid change (isoleucine 398 retained).
Molecular consequence: synonymous variant.
Genome position (GRCh38, 1-based): chr17:65,538,209, G>A on the plus strand (C>T on the coding strand, the complement: AXIN2 is on the minus strand). VCF-style: chr17-65538209-G-A. GRCh37 (hg19) VCF-style: chr17-63534327-G-A.
Other names: c.1194C>T, p.Ile398= (NM_001363813.1).
Identifiers: ClinVar variation 3224351 (VCV003224351.2), dbSNP rs948958592, ClinGen allele CA501476235.
Genomic context (GRCh38, chr17:65,538,209, plus strand): 5'-ATACGAGCGCTCACGCCGTGGACGGAAGCAGGAAGAAGGCCTAGGCCGCATTACCTCTCG[G>A]ATCTGCTGCAGGCGCTCCTCCAGGCTGTGGCGGCTCTCCAACTCCAGCTTCAGCTTTTCC-3'
Protein context (NP_004646.3, residues 388-408): RHSLEERLQQ[Ile398=]REDEEREGSE